The following is an entry in ClinVar:

ClinVar aggregate classification (germline): Uncertain significance (1 of 4 stars; one submission).

Conditions:
Neurodevelopmental disorder with coarse facies and mild distal skeletal abnormalities. Also called: STOLERMAN NEURODEVELOPMENTAL SYNDROME. Identifiers: MedGen C5193134, MONDO:0032790, OMIM 618505.

Submission:

Baylor Genetics
Classification: Uncertain significance for Neurodevelopmental disorder with coarse facies and mild distal skeletal abnormalities. Last evaluated: 2020-04-29. Review status: criteria provided, single submitter. Criteria: ACMG Guidelines, 2015. Collection method: clinical testing. Allele origin: unknown. Affected: yes.
Comment: This variant was determined to be of uncertain significance according to ACMG Guidelines, 2015 [PMID:25741868].

NM_001348716.2(KDM6B):c.2508G>C (p.Gln836His)

Gene: KDM6B (lysine demethylase 6B; plus strand). Cytogenetic location: 17p13.1.
Variant type: single nucleotide variant.
Coding change: c.2508G>C on transcript NM_001348716.2 (MANE Select); coding-DNA position 2508, G replaced by C.
Protein change: p.Gln836His; replaces glutamine 836 with histidine.
Molecular consequence: missense variant.
Genome position (GRCh38, 1-based): chr17:7,848,796, G>C. VCF-style: chr17-7848796-G-C. GRCh37 (hg19) VCF-style: chr17-7752114-G-C.
Other names: c.2508G>C, p.Gln836His (NM_001080424.2); short protein forms Q836H.
Identifiers: ClinVar variation 1030087 (VCV001030087.1), dbSNP rs2078623969, ClinGen allele CA397920393.
Genomic context (GRCh38, chr17:7,848,796, plus strand): 5'-CTGTTATCGGGGGACTGGAGCAGCTGTTTCCACCCGGCCTGGGCCCTTGCCCACCACTCA[G>C]TATTCCCCTGGCCCCCCATCAGGTGCTACCGCCCTGCCGCCCACCTCAGCGGCCCCTAGC-3'
Protein context (NP_001335645.1, residues 826-846): STRPGPLPTT[Gln836His]YSPGPPSGAT